The following is an entry in ClinVar:

NM_144997.7(FLCN):c.826_842del (p.Gly276fs)

Gene: FLCN (folliculin; minus strand). Cytogenetic location: 17p11.2.
Variant type: Deletion.
Coding change: c.826_842del on transcript NM_144997.7 (MANE Select); coding-DNA positions 826 to 842, 17 bases deleted (GGTGCTCCGACCGAGGA).
Protein change: p.Gly276fs; shifts the reading frame from glycine 276.
Molecular consequence: frameshift variant.
Genome position (GRCh38, 1-based): chr17:17,221,566-17,221,582, TCCTCGGTCGGAGCACC deleted on the plus strand (GGTGCTCCGACCGAGGA on the coding strand, the reverse complement: FLCN is on the minus strand); deleting any 17 consecutive bases within chr17:17,221,566-17,221,583 gives the same sequence; the c. name uses the placement nearest the transcript's 3' end. VCF-style (leftmost placement, unchanged base first): chr17-17221565-ATCCTCGGTCGGAGCACC-A. GRCh37 (hg19) VCF-style: chr17-17124879-ATCCTCGGTCGGAGCACC-A.
Other names: c.880_896del, p.Gly294fs (NM_001353229.2); c.826_842del, p.Gly276fs (NM_001353230.2, NM_001353231.2, NM_144606.7); short protein forms G276fs, G294fs.
Identifiers: ClinVar variation 1069125 (VCV001069125.5), dbSNP rs2144931929, ClinGen allele CA2499223920.

ClinVar aggregate classification (germline): Pathogenic (1 of 4 stars; one submission).

Conditions:
Birt-Hogg-Dube syndrome. Also called: Birt Hogg Dubé syndrome. Identifiers: Orphanet 122, MedGen C0346010, MONDO:0800444.

Submission:

Labcorp Genetics (formerly Invitae), Labcorp
Classification: Pathogenic for Birt-Hogg-Dube syndrome. Last evaluated: 2020-11-10. Review status: criteria provided, single submitter. Criteria: Invitae Variant Classification Sherloc (09022015). Collection method: clinical testing. Allele origin: germline.
Comment: This sequence change creates a premature translational stop signal (p.Gly276Tyrfs*10) in the FLCN gene. It is expected to result in an absent or disrupted protein product. This variant is not present in population databases (ExAC no frequency). This variant has not been reported in the literature in individuals with FLCN-related conditions. Loss-of-function variants in FLCN are known to be pathogenic (PMID: 15852235). For these reasons, this variant has been classified as Pathogenic.

Literature cited by the submitters: PubMed 15852235.